The following is an entry in ClinVar:

ClinVar aggregate classification (germline): Conflicting classifications of pathogenicity. Review status: criteria provided, conflicting classifications (1 of 4 stars). 2 submissions from 2 submitters: Likely pathogenic (1); Uncertain significance (1). Last evaluated 2024-09-09.

Conditions:
Myopia 24, autosomal dominant (MYP24). Identifiers: MedGen C4014762, MONDO:0014411, OMIM 615946.

Submissions (2):

Greenwood Genetic Center Diagnostic Laboratories, Greenwood Genetic Center
Classification: Likely pathogenic for Myopia 24, autosomal dominant. Last evaluated: 2024-09-09. Review status: criteria provided, single submitter. Criteria: ACMG Guidelines, 2015. Collection method: clinical testing. Allele origin: germline. Affected: yes.
Comment: PVS1, PM2

Department of Pathology and Laboratory Medicine, Sinai Health System
Classification: Uncertain significance for Myopia 24, autosomal dominant. Last evaluated: 2023-08-03. Review status: criteria provided, single submitter. Criteria: ACMG Guidelines, 2015. Collection method: research. Allele origin: germline.

NM_173596.3(SLC39A5):c.1128del (p.His377fs)

Gene: SLC39A5 (solute carrier family 39 member 5; plus strand). Cytogenetic location: 12q13.3.
Variant type: Deletion.
Coding change: c.1128del on transcript NM_173596.3 (MANE Select); coding-DNA position 1128, one base deleted (G; older notation c.1128delG).
Protein change: p.His377fs; shifts the reading frame from histidine 377.
Molecular consequence: frameshift variant.
Genome position (GRCh38, 1-based): chr12:56,236,667, G deleted; the last of 3 consecutive G bases (chr12:56,236,665-56,236,667); deleting any one gives the same sequence. VCF-style (leftmost placement, unchanged base first): chr12-56236664-TG-T. GRCh37 (hg19) VCF-style: chr12-56630448-TG-T.
Other names: c.1128delG, p.His377Thrfs (NM_001135195.2); short protein forms H377fs.
Identifiers: ClinVar variation 3765635 (VCV003765635.2), dbSNP rs1403479516.